The following is an entry in ClinVar:

ClinVar aggregate classification (germline): Uncertain significance (1 of 4 stars; one submission).

Conditions:
Mitochondrial complex II deficiency, nuclear type 1. Also called: SUCCINATE CoQ REDUCTASE DEFICIENCY. Identifiers: Orphanet 3208, MedGen C5700310, MONDO:0100294, OMIM 252011.
Pheochromocytoma/paraganglioma syndrome 5. Also called: Paragangliomas 5; SDHA-Related Hereditary Paraganglioma-Pheochromocytoma Syndrome. Identifiers: Orphanet 29072, MedGen C3279992, MONDO:0013602, OMIM 614165.

Submission:

Labcorp Genetics (formerly Invitae), Labcorp
Classification: Uncertain significance for Pheochromocytoma/paraganglioma syndrome 5; Mitochondrial complex II deficiency, nuclear type 1. Last evaluated: 2025-09-28. Review status: criteria provided, single submitter. Criteria: Invitae Variant Classification Sherloc (09022015). Collection method: clinical testing. Allele origin: germline.
Comment: This sequence change replaces serine, which is neutral and polar, with tryptophan, which is neutral and slightly polar, at codon 2 of the SDHA protein (p.Ser2Trp). This variant is not present in population databases (gnomAD no frequency). This variant has not been reported in the literature in individuals affected with SDHA-related conditions. Invitae Evidence Modeling of protein sequence and biophysical properties (such as structural, functional, and spatial information, amino acid conservation, physicochemical variation, residue mobility, and thermodynamic stability) indicates that this missense variant is not expected to disrupt SDHA protein function with a negative predictive value of 95%. In summary, the available evidence is currently insufficient to determine the role of this variant in disease. Therefore, it has been classified as a Variant of Uncertain Significance.

NM_004168.4(SDHA):c.5C>G (p.Ser2Trp)

Gene: SDHA (succinate dehydrogenase complex flavoprotein subunit A; plus strand). Cytogenetic location: 5p15.33.
Variant type: single nucleotide variant.
Coding change: c.5C>G on transcript NM_004168.4 (MANE Select); coding-DNA position 5, C replaced by G.
Protein change: p.Ser2Trp; replaces serine 2 with tryptophan.
Molecular consequence: missense variant.
Genome position (GRCh38, 1-based): chr5:218,360, C>G. VCF-style: chr5-218360-C-G. GRCh37 (hg19) VCF-style: chr5-218475-C-G.
Other names: c.5C>G, p.Ser2Trp (NM_001294332.2, NM_001330758.2); short protein forms S2W.
Identifiers: ClinVar variation 4788656 (VCV004788656.1).